The following is an entry in ClinVar:

NM_004104.5(FASN):c.5792G>T (p.Arg1931Leu)

Gene: FASN (fatty acid synthase; minus strand). Cytogenetic location: 17q25.3.
Variant type: single nucleotide variant.
Coding change: c.5792G>T on transcript NM_004104.5 (MANE Select); coding-DNA position 5792, G replaced by T.
Protein change: p.Arg1931Leu; replaces arginine 1931 with leucine.
Molecular consequence: missense variant.
Genome position (GRCh38, 1-based): chr17:82,082,654, C>A on the plus strand (G>T on the coding strand, the complement: FASN is on the minus strand). VCF-style: chr17-82082654-C-A. GRCh37 (hg19) VCF-style: chr17-80040530-C-A.
Other names: short protein forms R1931L.
Identifiers: ClinVar variation 2740667 (VCV002740667.3), dbSNP rs148840593, ClinGen allele CA8851542.

ClinVar aggregate classification (germline): Uncertain significance (1 of 4 stars; one submission).

Conditions:
Epileptic encephalopathy. Identifiers: MedGen C0543888, HP:0200134.

Allele frequency attached by ClinVar (database versions not stated): 1000 Genomes Project 30x 0.00016.
gnomAD v4.1: 26 of 1,610,162 alleles (0.0016%); highest among the groups gnomAD compares: African/African-American, 0.024%; no homozygotes.

Submission:

Labcorp Genetics (formerly Invitae), Labcorp
Classification: Uncertain significance for Epileptic encephalopathy. Last evaluated: 2024-06-03. Review status: criteria provided, single submitter. Criteria: Invitae Variant Classification Sherloc (09022015). Collection method: clinical testing. Allele origin: germline.
Comment: This sequence change replaces arginine, which is basic and polar, with leucine, which is neutral and non-polar, at codon 1931 of the FASN protein (p.Arg1931Leu). This variant is present in population databases (rs148840593, gnomAD 0.03%). This variant has not been reported in the literature in individuals affected with FASN-related conditions. An algorithm developed to predict the effect of missense changes on protein structure and function (PolyPhen-2) suggests that this variant is likely to be tolerated. In summary, the available evidence is currently insufficient to determine the role of this variant in disease. Therefore, it has been classified as a Variant of Uncertain Significance.